The following is an entry in ClinVar:

NM_213599.3(ANO5):c.2032dup (p.Thr678fs)

Gene: ANO5 (anoctamin 5; plus strand). Cytogenetic location: 11p14.3.
Variant type: Duplication.
Coding change: c.2032dup on transcript NM_213599.3 (MANE Select); coding-DNA position 2032, one base duplicated (A; older notation c.2032dupA).
Protein change: p.Thr678fs; shifts the reading frame from threonine 678.
Molecular consequence: frameshift variant.
Genome position (GRCh38, 1-based): chr11:22,272,786, A duplicated. VCF-style (leftmost placement, unchanged base first): chr11-22272785-T-TA. GRCh37 (hg19) VCF-style: chr11-22294331-T-TA.
Other names: c.2029dup, p.Thr677fs (NM_001142649.2); c.1990dup, p.Thr664fs (NM_001410963.1); c.1987dup, p.Thr663fs (NM_001410964.1); c.1954dup, p.Thr652fs (NM_001441294.1); c.1951dup, p.Thr651fs (NM_001441295.1); c.1939dup, p.Thr647fs (NM_001441296.1); c.1912dup, p.Thr638fs (NM_001441297.1); c.1876dup, p.Thr626fs (NM_001441298.1); and 4 more; short protein forms T516fs, T532fs, T533fs, T625fs, T626fs, T638fs, T647fs, T651fs.
Identifiers: ClinVar variation 4081185 (VCV004081185.2).

ClinVar aggregate classification (germline): Pathogenic/Likely pathogenic. Review status: criteria provided, multiple submitters, no conflicts (2 of 4 stars). 2 submissions from 2 submitters: Pathogenic (1); Likely pathogenic (1). Last evaluated 2025-04-27.

Conditions:
Gnathodiaphyseal dysplasia (GDD). Also called: GNATHODIAPHYSEAL SCLEROSIS; OSTEOGENESIS IMPERFECTA WITH UNUSUAL SKELETAL LESIONS. Identifiers: Orphanet 53697, MedGen C1833736, MONDO:0008151, OMIM 166260.
Autosomal recessive limb-girdle muscular dystrophy type 2L (LGMDR12). Also called: Limb-girdle muscular dystrophy, type 2L; MUSCULAR DYSTROPHY, LIMB-GIRDLE, AUTOSOMAL RECESSIVE 12; Limb-Girdle Muscular Dystrophy R12 Anoctamin-5-Related (LGMD-R12). Identifiers: Orphanet 206549, MedGen C1969785, MONDO:0012652, OMIM 611307.

Submissions (2):

Labcorp Genetics (formerly Invitae), Labcorp
Classification: Pathogenic for Autosomal recessive limb-girdle muscular dystrophy type 2L; Gnathodiaphyseal dysplasia. Last evaluated: 2025-04-27. Review status: criteria provided, single submitter. Criteria: Invitae Variant Classification Sherloc (09022015). Collection method: clinical testing. Allele origin: germline.
Comment: This sequence change creates a premature translational stop signal (p.Thr678Asnfs*24) in the ANO5 gene. It is expected to result in an absent or disrupted protein product. Loss-of-function variants in ANO5 are known to be pathogenic (PMID: 21186264, 23606453, 25891276, 30919934). This variant is not present in population databases (gnomAD no frequency). This variant has not been reported in the literature in individuals affected with ANO5-related conditions. For these reasons, this variant has been classified as Pathogenic.

Revvity Omics, Revvity
Classification: Likely pathogenic. Last evaluated: 2024-05-03. Review status: criteria provided, single submitter. Criteria: ACMG Guidelines, 2015. Collection method: clinical testing. Allele origin: germline.

Literature cited by the submitters: PubMed 21186264 (cited by Labcorp Genetics (formerly Invitae), Labcorp); PubMed 23606453 (cited by Labcorp Genetics (formerly Invitae), Labcorp); PubMed 25891276 (cited by Labcorp Genetics (formerly Invitae), Labcorp); PubMed 30919934 (cited by Labcorp Genetics (formerly Invitae), Labcorp).